The following is an entry in ClinVar:

ClinVar aggregate classification (germline): Likely benign (1 of 4 stars; one submission).

Allele frequency attached by ClinVar (database versions not stated): gnomAD exomes 0.00001; gnomAD 0.00002.
gnomAD v4.1: 29 of 1,613,380 alleles (0.0018%); highest among the groups gnomAD compares: African/African-American, 0.0027%; no homozygotes.

Submission:

CeGaT Center for Human Genetics Tuebingen
Classification: Likely benign. Last evaluated: 2022-06-01. Review status: criteria provided, single submitter. Criteria: CeGaT Center For Human Genetics Tuebingen Variant Classification Criteria Version 2. Collection method: clinical testing. Allele origin: germline. Affected: yes. Observed: 1 variant allele.
Comment: SDK2: BP4, BP7

NM_001144952.2(SDK2):c.6372C>A (p.Gly2124=)

Gene: SDK2 (sidekick cell adhesion molecule 2; minus strand). Cytogenetic location: 17q25.1.
Variant type: single nucleotide variant.
Coding change: c.6372C>A on transcript NM_001144952.2 (MANE Select); coding-DNA position 6372, C replaced by A.
Protein change: p.Gly2124=; no amino-acid change (glycine 2124 retained).
Molecular consequence: synonymous variant.
Genome position (GRCh38, 1-based): chr17:73,338,734, G>T on the plus strand (C>A on the coding strand, the complement: SDK2 is on the minus strand). VCF-style: chr17-73338734-G-T. GRCh37 (hg19) VCF-style: chr17-71334873-G-T.
Identifiers: ClinVar variation 2648178 (VCV002648178.24), dbSNP rs982092760, ClinGen allele CA293821820.